The following is an entry in ClinVar:

NM_032447.5(FBN3):c.6421T>G (p.Cys2141Gly)

Gene: FBN3 (fibrillin 3; minus strand). Cytogenetic location: 19p13.2.
Variant type: single nucleotide variant.
Coding change: c.6421T>G on transcript NM_032447.5 (MANE Select); coding-DNA position 6421, T replaced by G.
Protein change: p.Cys2141Gly; replaces cysteine 2141 with glycine.
Molecular consequence: missense variant.
Genome position (GRCh38, 1-based): chr19:8,088,135, A>C on the plus strand (T>G on the coding strand, the complement: FBN3 is on the minus strand). VCF-style: chr19-8088135-A-C. GRCh37 (hg19) VCF-style: chr19-8153019-A-C.
Other names: c.6421T>G, p.Cys2141Gly (NM_001321431.2); short protein forms C2141G.
Identifiers: ClinVar variation 2847979 (VCV002847979.3), dbSNP rs2512637998, ClinGen allele CA403715669.

ClinVar aggregate classification (germline): Uncertain significance (1 of 4 stars; one submission).

Submission:

Labcorp Genetics (formerly Invitae), Labcorp
Classification: Uncertain significance. Last evaluated: 2025-07-28. Review status: criteria provided, single submitter. Criteria: Invitae Variant Classification Sherloc (09022015). Collection method: clinical testing. Allele origin: germline.
Comment: This sequence change replaces cysteine, which is neutral and slightly polar, with glycine, which is neutral and non-polar, at codon 2141 of the FBN3 protein (p.Cys2141Gly). This variant is not present in population databases (gnomAD no frequency). This variant has not been reported in the literature in individuals affected with FBN3-related conditions. ClinVar contains an entry for this variant (Variation ID: 2847979). Invitae Evidence Modeling of protein sequence and biophysical properties (such as structural, functional, and spatial information, amino acid conservation, physicochemical variation, residue mobility, and thermodynamic stability) indicates that this missense variant is expected to disrupt FBN3 protein function with a positive predictive value of 80%. In summary, the available evidence is currently insufficient to determine the role of this variant in disease. Therefore, it has been classified as a Variant of Uncertain Significance.